The following is an entry in ClinVar:

ClinVar aggregate classification (germline): Uncertain significance. Review status: criteria provided, multiple submitters, no conflicts (2 of 4 stars). 2 submissions from 2 submitters: Uncertain significance (2). Last evaluated 2024-05-04.

Conditions:
Orofaciodigital syndrome type 6 (OFD6). Also called: OROFACIODIGITAL SYNDROME VI; OFDS VI; POLYDACTYLY, CLEFT LIP/PALATE OR LINGUAL LUMP, AND PSYCHOMOTOR RETARDATION; VARADI SYNDROME; VARADI-PAPP SYNDROME; Oral-facial-digital syndrome type 6. Identifiers: Orphanet 2754, MedGen C2745997, MONDO:0010176, OMIM 277170.
Joubert syndrome 17 (JBTS17). Identifiers: Orphanet 475, MedGen C3553264, MONDO:0013824, OMIM 614615.

Allele frequency attached by ClinVar (database versions not stated): gnomAD exomes below 0.00001; gnomAD 0.00001.
gnomAD v4.1: 6 of 1,532,304 alleles (0.00039%); highest among the groups gnomAD compares: African/African-American, 0.0042%; no homozygotes.

Submissions (2):

Fulgent Genetics
Classification: Uncertain significance for Orofaciodigital syndrome type 6; Joubert syndrome 17. Last evaluated: 2024-05-04. Review status: criteria provided, single submitter. Criteria: ACMG Guidelines, 2015. Collection method: clinical testing. Allele origin: germline.

Labcorp Genetics (formerly Invitae), Labcorp
Classification: Uncertain significance. Last evaluated: 2022-05-19. Review status: criteria provided, single submitter. Criteria: Invitae Variant Classification Sherloc (09022015). Collection method: clinical testing. Allele origin: germline.
Comment: This sequence change replaces serine, which is neutral and polar, with threonine, which is neutral and polar, at codon 47 of the CPLANE1 protein (p.Ser47Thr). This variant is present in population databases (no rsID available, gnomAD 0.005%). This variant has not been reported in the literature in individuals affected with CPLANE1-related conditions. Algorithms developed to predict the effect of missense changes on protein structure and function are either unavailable or do not agree on the potential impact of this missense change (SIFT: "Deleterious"; PolyPhen-2: "Probably Damaging"; Align-GVGD: "Class C0"). In summary, the available evidence is currently insufficient to determine the role of this variant in disease. Therefore, it has been classified as a Variant of Uncertain Significance.

NM_001384732.1(CPLANE1):c.139T>A (p.Ser47Thr)

Gene: CPLANE1 (ciliogenesis and planar polarity effector complex subunit 1; minus strand). Cytogenetic location: 5p13.2.
Variant type: single nucleotide variant.
Coding change: c.139T>A on transcript NM_001384732.1 (MANE Select); coding-DNA position 139, T replaced by A.
Protein change: p.Ser47Thr; replaces serine 47 with threonine.
Molecular consequence: missense variant.
Genome position (GRCh38, 1-based): chr5:37,245,788, A>T on the plus strand (T>A on the coding strand, the complement: CPLANE1 is on the minus strand). VCF-style: chr5-37245788-A-T. GRCh37 (hg19) VCF-style: chr5-37245890-A-T.
Other names: c.139T>A, p.Ser47Thr (NM_023073.4); c.139T>A (NM_023073.3); short protein forms S47T.
Identifiers: ClinVar variation 2174183 (VCV002174183.3), dbSNP rs952769625, ClinGen allele CA117069409.